The following is an entry in ClinVar:

ClinVar aggregate classification (germline): Likely benign. Review status: criteria provided, multiple submitters, no conflicts (2 of 4 stars). 7 submissions from 7 submitters: Likely benign (7). Last evaluated 2026-07-01.

Conditions:
Autosomal recessive Alport syndrome (ATS2). Also called: ALPORT SYNDROME 2, AUTOSOMAL RECESSIVE; COL4A4 Alport Syndrome and Thin Basement Membrane Nephropathy; COL4A3-Related Nephropathy; Alport syndrome type 2. Identifiers: Orphanet 63, Orphanet 88919, MedGen C4746745, MONDO:0008762, OMIM 203780.
Benign familial hematuria. Also called: thin basement membrane disease. Identifiers: MedGen C0241908, MONDO:0957317.
COL4A4-related disorder.

Allele frequency attached by ClinVar (database versions not stated): TOPMed 0.00007; ESP Exome Variant Server 0.00008.
gnomAD v4.1: 98 of 1,613,932 alleles (0.0061%); highest among the groups gnomAD compares: Non-Finnish European, 0.0072%; no homozygotes.

Submissions (7):

CeGaT Center for Human Genetics Tuebingen
Classification: Likely benign. Last evaluated: 2026-07-01. Review status: criteria provided, single submitter. Criteria: CeGaT Center For Human Genetics Tuebingen Variant Classification Criteria Version 2. Collection method: clinical testing. Allele origin: germline. Affected: yes. Observed: 1 variant allele.
Comment: COL4A4: BP4, BP7

Labcorp Genetics (formerly Invitae), Labcorp
Classification: Likely benign. Last evaluated: 2026-01-19. Review status: criteria provided, single submitter. Criteria: Invitae Variant Classification Sherloc (09022015). Collection method: clinical testing. Allele origin: germline.

PreventionGenetics, part of Exact Sciences
Classification: Likely benign for COL4A4-related condition. Last evaluated: 2025-09-27. Review status: criteria provided, single submitter. Criteria: ACMG Guidelines, 2015. Collection method: clinical testing. Allele origin: germline.
Comment: This variant is classified as likely benign based on ACMG/AMP sequence variant interpretation guidelines (Richards et al. 2015 PMID: 25741868, with internal and published modifications).

Laboratory of Genetics, Children's Clinical University Hospital Latvia
Classification: Likely benign. Last evaluated: 2025-02-16. Review status: criteria provided, single submitter. Criteria: ACMG Guidelines, 2015. Collection method: clinical testing. Allele origin: germline. Affected: yes.

Blueprint Genetics
Classification: Likely benign. Last evaluated: 2024-10-08. Review status: criteria provided, single submitter. Criteria: ACMG Guidelines, 2015. Collection method: clinical testing. Allele origin: germline.

Fulgent Genetics
Classification: Likely benign for Hematuria, benign familial, 1; Autosomal recessive Alport syndrome. Last evaluated: 2021-07-06. Review status: criteria provided, single submitter. Criteria: ACMG Guidelines, 2015. Collection method: clinical testing. Allele origin: unknown.

GeneDx
Classification: Likely benign. Last evaluated: 2021-06-08. Review status: criteria provided, single submitter. Criteria: GeneDx Variant Classification Process June 2021. Collection method: clinical testing. Allele origin: germline. Affected: yes.

NM_000092.5(COL4A4):c.3306C>G (p.Ser1102=)

Gene: COL4A4 (collagen type IV alpha 4 chain; minus strand). Cytogenetic location: 2q36.3.
Variant type: single nucleotide variant.
Coding change: c.3306C>G on transcript NM_000092.5 (MANE Select); coding-DNA position 3306, C replaced by G.
Protein change: p.Ser1102=; no amino-acid change (serine 1102 retained).
Molecular consequence: synonymous variant.
Genome position (GRCh38, 1-based): chr2:227,043,168, G>C on the plus strand (C>G on the coding strand, the complement: COL4A4 is on the minus strand). VCF-style: chr2-227043168-G-C. GRCh37 (hg19) VCF-style: chr2-227907884-G-C.
Identifiers: ClinVar variation 755008 (VCV000755008.18), dbSNP rs200065408, ClinGen allele CA2144564.